The following is an entry in ClinVar:

ClinVar aggregate classification (germline): Likely pathogenic (1 of 4 stars; one submission).

Conditions:
Ehlers-Danlos syndrome, type 4 (EDSVASC). Also called: Ehlers-Danlos syndrome vascular type; Ehlers Danlos syndrome, ecchymotic type; Ehlers Danlos syndrome, arterial type; Ehlers Danlos syndrome, Sack-Barabas type; Ehlers-Danlos Syndrome Type IV. Identifiers: Orphanet 286, MedGen C0268338, MONDO:0017314, OMIM 130050.

Submission:

Institute of Human Genetics, University of Leipzig Medical Center
Classification: Likely pathogenic for Ehlers-Danlos syndrome, type 4. Last evaluated: 2025-03-20. Review status: criteria provided, single submitter. Criteria: ACMG Guidelines, 2015. Collection method: clinical testing. Allele origin: unknown. Affected: yes.
Comment: Criteria applied: PP3_STR; PM2; PM5; PP2

NM_000090.4(COL3A1):c.952G>A (p.Gly318Ser)

Gene: COL3A1 (collagen type III alpha 1 chain; plus strand). Cytogenetic location: 2q32.2.
Variant type: single nucleotide variant.
Coding change: c.952G>A on transcript NM_000090.4 (MANE Select); coding-DNA position 952, G replaced by A.
Protein change: p.Gly318Ser; replaces glycine 318 with serine.
Molecular consequence: missense variant.
Genome position (GRCh38, 1-based): chr2:188,992,184, G>A. VCF-style: chr2-188992184-G-A. GRCh37 (hg19) VCF-style: chr2-189856910-G-A.
Other names: short protein forms G318S.
Identifiers: ClinVar variation 3778717 (VCV003778717.1).